The following is an entry in ClinVar:

NM_003601.4(SMARCA5):c.1588G>A (p.Asp530Asn)

Gene: SMARCA5 (SNF2 related chromatin remodeling ATPase 5; plus strand). Cytogenetic location: 4q31.21.
Variant type: single nucleotide variant.
Coding change: c.1588G>A on transcript NM_003601.4 (MANE Select); coding-DNA position 1588, G replaced by A.
Protein change: p.Asp530Asn; replaces aspartic acid 530 with asparagine.
Molecular consequence: missense variant.
Genome position (GRCh38, 1-based): chr4:143,538,682, G>A. VCF-style: chr4-143538682-G-A. GRCh37 (hg19) VCF-style: chr4-144459835-G-A.
Other names: short protein forms D530N.
Identifiers: ClinVar variation 3363219 (VCV003363219.1).

ClinVar aggregate classification (germline): Uncertain significance (1 of 4 stars; one submission).

Submission:

GeneDx
Classification: Uncertain significance. Last evaluated: 2023-10-18. Review status: criteria provided, single submitter. Criteria: GeneDx Variant Classification Process June 2021. Collection method: clinical testing. Allele origin: germline. Affected: yes.
Comment: Not observed at significant frequency in large population cohorts (gnomAD); In silico analysis supports that this missense variant has a deleterious effect on protein structure/function; Has not been previously published as pathogenic or benign to our knowledge